The following is an entry in ClinVar:

ClinVar aggregate classification (germline): Conflicting classifications of pathogenicity. Review status: criteria provided, conflicting classifications (1 of 4 stars). 4 submissions from 4 submitters: Uncertain significance (3); Likely benign (1). Last evaluated 2026-01-07.

Conditions:
Cardiovascular phenotype. Identifiers: MedGen CN230736.
Long QT syndrome (LQTS). Identifiers: MedGen C0023976, MeSH D008133, MONDO:0002442. Disease mechanism: loss of function. Inheritance: Various modes of inheritance.

Allele frequency attached by ClinVar (database versions not stated): gnomAD exomes 0.00001 and 0.00006; ExAC 0.00002; gnomAD 0.00005; TOPMed 0.00005.
gnomAD v4.1: 27 of 1,609,740 alleles (0.0017%); highest among the groups gnomAD compares: Admixed American, 0.043%; no homozygotes.

Submissions (4):

Labcorp Genetics (formerly Invitae), Labcorp
Classification: Uncertain significance for Long QT syndrome. Last evaluated: 2026-01-07. Review status: criteria provided, single submitter. Criteria: Invitae Variant Classification Sherloc (09022015). Collection method: clinical testing. Allele origin: germline.
Comment: This sequence change replaces valine, which is neutral and non-polar, with isoleucine, which is neutral and non-polar, at codon 151 of the CAV3 protein (p.Val151Ile). This variant is present in population databases (rs780870487, gnomAD 0.04%). This variant has not been reported in the literature in individuals affected with CAV3-related conditions. ClinVar contains an entry for this variant (Variation ID: 409257). An algorithm developed to predict the effect of missense changes on protein structure and function outputs the following: PolyPhen-2: "Benign". The isoleucine amino acid residue is found in multiple mammalian species, which suggests that this missense change does not adversely affect protein function. In summary, the available evidence is currently insufficient to determine the role of this variant in disease. Therefore, it has been classified as a Variant of Uncertain Significance.

Ambry Genetics
Classification: Uncertain significance for Cardiovascular phenotype. Last evaluated: 2024-12-03. Review status: criteria provided, single submitter. Criteria: Ambry Variant Classification Scheme 2023. Collection method: clinical testing. Allele origin: germline.

Women's Health and Genetics/Laboratory Corporation of America, LabCorp
Classification: Uncertain significance. Last evaluated: 2023-07-25. Review status: criteria provided, single submitter. Criteria: LabCorp Variant Classification Summary - May 2015. Collection method: clinical testing. Allele origin: germline.
Comment: Variant summary: CAV3 c.451G>A (p.Val151Ile) results in a conservative amino acid change in the encoded protein sequence. Five of five in-silico tools predict a benign effect of the variant on protein function. The variant allele was found at a frequency of 5.6e-05 in 248544 control chromosomes, predominantly at a frequency of 0.00041 within the Latino subpopulation in the gnomAD database. To our knowledge, no occurrence of c.451G>A in individuals affected with Rippling Muscle Disease 2 and no experimental evidence demonstrating its impact on protein function have been reported. Three submitters have cited clinical-significance assessments for this variant to ClinVar after 2014. Based on the evidence outlined above, the variant was classified as uncertain significance.

GeneDx
Classification: Likely benign. Last evaluated: 2020-09-25. Review status: criteria provided, single submitter. Criteria: GeneDx Variant Classification Process June 2021. Collection method: clinical testing. Allele origin: germline. Affected: yes.
Comment: In silico analysis supports that this missense variant does not alter protein structure/function; Has not been previously published as pathogenic or benign to our knowledge

NM_033337.3(CAV3):c.451G>A (p.Val151Ile)

Genes: CAV3 (caveolin 3; plus strand), OXTR (oxytocin receptor; minus strand). Cytogenetic location: 3p25.3.
Variant type: single nucleotide variant.
Coding change: c.451G>A on transcript NM_033337.3 (MANE Select); coding-DNA position 451, G replaced by A.
Protein change: p.Val151Ile; replaces valine 151 with isoleucine.
Molecular consequence: missense variant.
Genome position (GRCh38, 1-based): chr3:8,745,862, G>A. VCF-style: chr3-8745862-G-A. GRCh37 (hg19) VCF-style: chr3-8787548-G-A.
Other names: c.451G>A, p.Val151Ile (NM_001234.5); short protein forms V151I.
Identifiers: ClinVar variation 409257 (VCV000409257.15), dbSNP rs780870487, ClinGen allele CA2236372.